The following is an entry in ClinVar:

NM_001267550.2(TTN):c.15382T>G (p.Ser5128Ala)

Gene: TTN (titin; minus strand). Cytogenetic location: 2q31.2.
Variant type: single nucleotide variant.
Coding change: c.15382T>G on transcript NM_001267550.2 (MANE Select); coding-DNA position 15382, T replaced by G.
Protein change: p.Ser5128Ala; replaces serine 5128 with alanine.
Molecular consequence: missense variant. On other transcripts: intron variant (3).
Genome position (GRCh38, 1-based): chr2:178,734,442, A>C on the plus strand (T>G on the coding strand, the complement: TTN is on the minus strand). VCF-style: chr2-178734442-A-C. GRCh37 (hg19) VCF-style: chr2-179599169-A-C.
Other names: c.14431T>G, p.Ser4811Ala (NM_001256850.1); c.11650T>G, p.Ser3884Ala (NM_133378.4); c.13282+3640T>G (NM_003319.4); c.13858+3640T>G (NM_133437.4); c.13657+3640T>G (NM_133432.3); short protein forms S3884A, S5128A, S4811A.
Identifiers: ClinVar variation 192031 (VCV000192031.1), dbSNP rs786205316, ClinGen allele CA238147.

ClinVar aggregate classification (germline): Uncertain significance (1 of 4 stars; one submission).

Submission:

Biesecker Lab/Clinical Genomics Section, National Institutes of Health
Classification: Uncertain significance. Last evaluated: 2013-06-24. Review status: criteria provided, single submitter. Criteria: Ng et al. (Circ Cardiovasc Genet. 2013). Collection method: research. Allele origin: unknown. Observed: 1 variant allele. Study: ClinSeq.
Comment: The study set was not selected for affection status in relation to any cancer. Pathogenicity categories were based on literature curation. See Pubmed ID:23861362 for details.

Medical sequencing